The following is an entry in ClinVar:

ClinVar aggregate classification (germline): Likely benign. Review status: criteria provided, multiple submitters, no conflicts (2 of 4 stars). 3 submissions from 3 submitters: Likely benign (3). Last evaluated 2025-03-31.

Conditions:
Charcot-Marie-Tooth disease type 2. Also called: Charcot-Marie-Tooth type 2. Identifiers: Orphanet 64746, MedGen C0270914, MONDO:0018993.

Allele frequency attached by ClinVar (database versions not stated): gnomAD exomes 0.00001; ExAC 0.00002; TOPMed 0.00004; gnomAD 0.00007; ESP Exome Variant Server 0.00008; 1000 Genomes Project 30x 0.00016.
gnomAD v4.1: 32 of 1,614,142 alleles (0.002%); highest among the groups gnomAD compares: African/African-American, 0.019%; no homozygotes.

Submissions (3):

Labcorp Genetics (formerly Invitae), Labcorp
Classification: Likely benign for Charcot-Marie-Tooth disease type 2. Last evaluated: 2025-03-31. Review status: criteria provided, single submitter. Criteria: Invitae Variant Classification Sherloc (09022015). Collection method: clinical testing. Allele origin: germline.

Blueprint Genetics
Classification: Likely benign. Last evaluated: 2024-02-20. Review status: criteria provided, single submitter. Criteria: ACMG Guidelines, 2015. Collection method: clinical testing. Allele origin: germline.

GeneDx
Classification: Likely benign. Last evaluated: 2017-04-04. Review status: criteria provided, single submitter. Criteria: GeneDx Variant Classification (06012015). Collection method: clinical testing. Allele origin: germline. Affected: yes.
Comment: This variant is considered likely benign or benign based on one or more of the following criteria: it is a conservative change, it occurs at a poorly conserved position in the protein, it is predicted to be benign by multiple in silico algorithms, and/or has population frequency not consistent with disease.

NM_002047.4(GARS1):c.1149C>T (p.Ser383=)

Gene: GARS1 (glycyl-tRNA synthetase 1; plus strand). Cytogenetic location: 7p14.3.
Variant type: single nucleotide variant.
Coding change: c.1149C>T on transcript NM_002047.4 (MANE Select); coding-DNA position 1149, C replaced by T.
Protein change: p.Ser383=; no amino-acid change (serine 383 retained).
Molecular consequence: synonymous variant.
Genome position (GRCh38, 1-based): chr7:30,616,013, C>T. VCF-style: chr7-30616013-C-T. GRCh37 (hg19) VCF-style: chr7-30655629-C-T.
Other names: c.987C>T, p.Ser329= (NM_001316772.1); c.1149C>T (LRG_243t1).
Identifiers: ClinVar variation 508673 (VCV000508673.10), dbSNP rs369389062, ClinGen allele CA4205900.